The following is an entry in ClinVar:

ClinVar aggregate classification (germline): Benign/Likely benign. Review status: criteria provided, multiple submitters, no conflicts (2 of 4 stars). 10 submissions from 10 submitters: Benign (6); Likely benign (2). 2 of the submissions do not count toward it. Last evaluated 2026-05-11.

Conditions:
Pituitary hormone deficiency, combined, 1 (CPHD1). Also called: Pituitary hormone deficiency, combined or isolated, 1. Identifiers: MedGen C2751608, MONDO:0024464, OMIM 613038.

Allele frequency attached by ClinVar (database versions not stated): 1000 Genomes Project 0.01957; 1000 Genomes Project 30x 0.01999; gnomAD 0.00674 and 0.00734; TOPMed 0.01240; ESP Exome Variant Server 0.00092.
gnomAD v4.1: 7,006 of 1,609,948 alleles (0.44%); highest among the groups gnomAD compares: Admixed American, 7.4%; 245 homozygotes.

Submissions (10):

Women's Health and Genetics/Laboratory Corporation of America, LabCorp
Classification: Benign. Last evaluated: 2026-05-11. Review status: criteria provided, single submitter. Criteria: LabCorp Variant Classification Summary - May 2015. Collection method: clinical testing. Allele origin: germline.

Labcorp Genetics (formerly Invitae), Labcorp
Classification: Benign. Last evaluated: 2026-02-02. Review status: criteria provided, single submitter. Criteria: Invitae Variant Classification Sherloc (09022015). Collection method: clinical testing. Allele origin: germline.

Fulgent Genetics
Classification: Likely benign for Pituitary hormone deficiency, combined, 1. Last evaluated: 2022-02-14. Review status: criteria provided, single submitter. Criteria: ACMG Guidelines, 2015. Collection method: clinical testing. Allele origin: unknown.

GeneDx
Classification: Benign. Last evaluated: 2019-12-16. Review status: criteria provided, single submitter. Criteria: GeneDx Variant Classification Process June 2021. Collection method: clinical testing. Allele origin: germline. Affected: yes.

Athena Diagnostics
Classification: Benign. Last evaluated: 2018-07-10. Review status: criteria provided, single submitter. Criteria: Athena Diagnostics Criteria. Collection method: clinical testing. Allele origin: germline.

Illumina Laboratory Services, Illumina
Classification: Benign for Pituitary hormone deficiency, combined, 1. Last evaluated: 2018-01-13. Review status: criteria provided, single submitter. Criteria: ICSL Variant Classification Criteria 13 December 2019. Collection method: clinical testing. Allele origin: germline.
Comment: This variant was observed in the ICSL laboratory as part of a predisposition screen in an ostensibly healthy population. It had not been previously curated by ICSL or reported in the Human Gene Mutation Database (HGMD: prior to June 1st, 2018), and was therefore a candidate for classification through an automated scoring system. Utilizing variant allele frequency, disease prevalence and penetrance estimates, and inheritance mode, an automated score was calculated to assess if this variant is too frequent to cause the disease. Based on the score and internal cut-off values, a variant classified as benign is not then subjected to further curation. The score for this variant resulted in a classification of benign for this disease.

Eurofins Ntd Llc (ga)
Classification: Benign. Last evaluated: 2015-04-17. Review status: criteria provided, single submitter. Criteria: EGL Classification Definitions 2015. Collection method: clinical testing. Allele origin: germline. Observed: 1 variant allele, 1 heterozygote.

Breakthrough Genomics
Classification: Likely benign. Review status: criteria provided, single submitter. Criteria: ACMG Guidelines, 2015. Collection method: not provided. Allele origin: germline. Inheritance: Autosomal dominant inheritance. Affected: yes.

Clinical Genetics, Academic Medical Center
Classification: Benign. Review status: no assertion criteria provided. Collection method: clinical testing. Allele origin: germline. Affected: yes. Study: VKGL Data-share Consensus. Not counted in ClinVar's aggregate classification.

Laboratory of Diagnostic Genome Analysis, Leiden University Medical Center (LUMC)
Classification: Likely benign. Review status: no assertion criteria provided. Collection method: clinical testing. Allele origin: germline. Affected: yes. Study: VKGL Data-share Consensus. Not counted in ClinVar's aggregate classification.

NM_000306.4(POU1F1):c.666-5G>A

Gene: POU1F1 (POU class 1 homeobox 1; minus strand). Cytogenetic location: 3p11.2.
Variant type: single nucleotide variant.
Coding change: c.666-5G>A on transcript NM_000306.4 (MANE Select); 5 bases into the intron before coding-DNA position 666, G replaced by A.
Molecular consequence: intron variant.
Genome position (GRCh38, 1-based): chr3:87,260,109, C>T on the plus strand (G>A on the coding strand, the complement: POU1F1 is on the minus strand). VCF-style: chr3-87260109-C-T. GRCh37 (hg19) VCF-style: chr3-87309259-C-T.
Other names: c.744-5G>A (NM_001122757.3).
Identifiers: ClinVar variation 198069 (VCV000198069.20), dbSNP rs76296626, ClinGen allele CA203213.